The following is an entry in ClinVar:

NM_000059.4(BRCA2):c.5472_5473insA (p.Ala1825fs)

Gene: BRCA2 (BRCA2 DNA repair associated; plus strand). Cytogenetic location: 13q13.1.
Variant type: Insertion.
Coding change: c.5472_5473insA on transcript NM_000059.4 (MANE Select); coding-DNA positions 5472 to 5473, A inserted.
Protein change: p.Ala1825fs; shifts the reading frame from alanine 1825.
Molecular consequence: frameshift variant.
Genome position: GRCh38 VCF-style: chr13-32339827-T-TA. GRCh37 (hg19) VCF-style: chr13-32913964-T-TA.
Other names: 5700insA; short protein forms A1825fs.
Identifiers: ClinVar variation 266878 (VCV000266878.5), dbSNP rs886040593, ClinGen allele CA10589315.

ClinVar aggregate classification (germline): Pathogenic. Review status: reviewed by expert panel (3 of 4 stars). 3 submissions from 3 submitters: Pathogenic (1). 2 of the submissions do not count toward it. Last evaluated 2016-10-18.

Conditions:
Breast-ovarian cancer, familial, susceptibility to, 2 (BROVCA2). Also called: BRCA2 Hereditary Breast and Ovarian Cancer. Identifiers: Orphanet 145, MedGen C2675520, MONDO:0012933, OMIM 612555. Disease mechanism: loss of function.
Hereditary breast ovarian cancer syndrome. Also called: BRCA1- and BRCA2-Associated Hereditary Breast and Ovarian Cancer; Hereditary breast and ovarian cancer; Breast and ovarian cancer; Hereditary breast and/or ovarian cancer syndrome; Hereditary breast and ovarian cancer syndrome; Hereditary breast and ovarian cancer syndrome (HBOC). Identifiers: Orphanet 145, MedGen C0677776, MeSH D061325, MONDO:0003582. Disease mechanism: loss of function.

Submissions (3):

Evidence-based Network for the Interpretation of Germline Mutant Alleles (ENIGMA)
Classification: Pathogenic for Breast-ovarian cancer, familial, susceptibility to, 2. Last evaluated: 2016-10-18. Review status: reviewed by expert panel. Criteria: ENIGMA BRCA1/2 Classification Criteria (2015). Collection method: curation. Allele origin: germline.
Comment: Variant allele predicted to encode a truncated non-functional protein.

Consortium of Investigators of Modifiers of BRCA1/2 (CIMBA), c/o University of Cambridge
Classification: Pathogenic for Breast-ovarian cancer, familial, susceptibility to, 2. Last evaluated: 2015-10-02. Review status: criteria provided, single submitter. Criteria: CIMBA Mutation Classification guidelines May 2016. Collection method: clinical testing. Allele origin: germline. Not counted in ClinVar's aggregate classification.

Research Molecular Genetics Laboratory, Women's College Hospital, University of Toronto
Classification: Pathogenic for Hereditary breast ovarian cancer syndrome. Last evaluated: 2014-01-31. Review status: no assertion criteria provided. Collection method: research. Allele origin: germline. Affected: yes. Study: The Canadian Open Genetics Repository (COGR). Not counted in ClinVar's aggregate classification.